The following is an entry in ClinVar:

ClinVar aggregate classification (germline): Benign/Likely benign. Review status: criteria provided, multiple submitters, no conflicts (2 of 4 stars). 4 submissions from 4 submitters: Benign (1); Likely benign (3). Last evaluated 2026-04-23.

Conditions:
Colorectal cancer, susceptibility to, 1. Also called: COLORECTAL ADENOMA AND CANCER, SUSCEPTIBILITY TO; COLORECTAL CANCER, SUSCEPTIBILITY TO, ON CHROMOSOME 9. Identifiers: MedGen C1837315, MONDO:0012132, OMIM 608812.

Allele frequency attached by ClinVar (database versions not stated): TOPMed below 0.00001; ExAC 0.00002; gnomAD exomes 0.00002.
gnomAD v4.1: 9 of 1,614,180 alleles (0.00056%); highest among the groups gnomAD compares: Middle Eastern, 0.017%; 1 homozygote.

Submissions (4):

Myriad Genetics, Inc.
Classification: Benign for Colorectal cancer, susceptibility to, 1. Last evaluated: 2026-04-23. Review status: criteria provided, single submitter. Criteria: Myriad Autosomal Dominant, Autosomal Recessive and X-Linked Classification Criteria (2023). Collection method: clinical testing. Allele origin: unknown.
Comment: This variant is considered benign. This variant is a silent/synonymous amino acid change and it is not expected to impact splicing.

Blueprint Genetics
Classification: Likely benign. Last evaluated: 2024-02-28. Review status: criteria provided, single submitter. Criteria: ACMG Guidelines, 2015. Collection method: clinical testing. Allele origin: germline.

Labcorp Genetics (formerly Invitae), Labcorp
Classification: Likely benign. Last evaluated: 2022-07-25. Review status: criteria provided, single submitter. Criteria: Invitae Variant Classification Sherloc (09022015). Collection method: clinical testing. Allele origin: germline.

Ambry Genetics
Classification: Likely benign. Last evaluated: 2021-12-07. Review status: criteria provided, single submitter. Criteria: Ambry Variant Classification Scheme 2023. Collection method: clinical testing. Allele origin: germline.

NM_024642.5(GALNT12):c.516C>T (p.Ile172=)

Gene: GALNT12 (polypeptide N-acetylgalactosaminyltransferase 12; plus strand). Cytogenetic location: 9q22.33.
Variant type: single nucleotide variant.
Coding change: c.516C>T on transcript NM_024642.5 (MANE Select); coding-DNA position 516, C replaced by T.
Protein change: p.Ile172=; no amino-acid change (isoleucine 172 retained).
Molecular consequence: synonymous variant.
Genome position (GRCh38, 1-based): chr9:98,823,400, C>T. VCF-style: chr9-98823400-C-T. GRCh37 (hg19) VCF-style: chr9-101585682-C-T.
Identifiers: ClinVar variation 755820 (VCV000755820.13), dbSNP rs761534603, ClinGen allele CA5153958.